The following is an entry in ClinVar:

ClinVar aggregate classification (germline): Likely benign (1 of 4 stars; one submission).

Allele frequency attached by ClinVar (database versions not stated): 1000 Genomes Project 30x 0.00203; 1000 Genomes Project 0.00220; ESP Exome Variant Server 0.00669.
gnomAD v4.1: 12,151 of 1,614,080 alleles (0.75%); highest among the groups gnomAD compares: Non-Finnish European, 0.98%; 88 homozygotes.

Submission:

CeGaT Center for Human Genetics Tuebingen
Classification: Likely benign. Last evaluated: 2023-01-01. Review status: criteria provided, single submitter. Criteria: CeGaT Center For Human Genetics Tuebingen Variant Classification Criteria Version 2. Collection method: clinical testing. Allele origin: germline. Affected: yes. Observed: 1 variant allele.
Comment: TGM7: BP4, BP7, BS2

NM_052955.3(TGM7):c.1965A>T (p.Ile655=)

Gene: TGM7 (transglutaminase 7; minus strand). Cytogenetic location: 15q15.2.
Variant type: single nucleotide variant.
Coding change: c.1965A>T on transcript NM_052955.3 (MANE Select); coding-DNA position 1965, A replaced by T.
Protein change: p.Ile655=; no amino-acid change (isoleucine 655 retained).
Molecular consequence: synonymous variant.
Genome position (GRCh38, 1-based): chr15:43,276,870, T>A on the plus strand (A>T on the coding strand, the complement: TGM7 is on the minus strand). VCF-style: chr15-43276870-T-A. GRCh37 (hg19) VCF-style: chr15-43569068-T-A.
Identifiers: ClinVar variation 2645269 (VCV002645269.24), dbSNP rs150374715, ClinGen allele CA7521568.